The following is an entry in ClinVar:

ClinVar aggregate classification (germline): Uncertain significance (1 of 4 stars; one submission).

Submission:

Labcorp Genetics (formerly Invitae), Labcorp
Classification: Uncertain significance. Last evaluated: 2025-12-15. Review status: criteria provided, single submitter. Criteria: Invitae Variant Classification Sherloc (09022015). Collection method: clinical testing. Allele origin: germline.
Comment: This sequence change replaces threonine, which is neutral and polar, with alanine, which is neutral and non-polar, at codon 27 of the COX6B1 protein (p.Thr27Ala). This variant is not present in population databases (gnomAD no frequency). This variant has not been reported in the literature in individuals affected with COX6B1-related conditions. An algorithm developed to predict the effect of missense changes on protein structure and function (PolyPhen-2) suggests that this variant is likely to be disruptive. In summary, the available evidence is currently insufficient to determine the role of this variant in disease. Therefore, it has been classified as a Variant of Uncertain Significance.

NM_001863.5(COX6B1):c.79A>G (p.Thr27Ala)

Gene: COX6B1 (cytochrome c oxidase subunit 6B1; plus strand). Cytogenetic location: 19q13.12.
Variant type: single nucleotide variant.
Coding change: c.79A>G on transcript NM_001863.5 (MANE Select); coding-DNA position 79, A replaced by G.
Protein change: p.Thr27Ala; replaces threonine 27 with alanine.
Molecular consequence: missense variant.
Genome position (GRCh38, 1-based): chr19:35,651,322, A>G. VCF-style: chr19-35651322-A-G. GRCh37 (hg19) VCF-style: chr19-36142224-A-G.
Other names: short protein forms T27A.
Identifiers: ClinVar variation 4781803 (VCV004781803.1).